The following is an entry in ClinVar:

NM_006218.4(PIK3CA):c.181C>T (p.Leu61Phe)

Gene: PIK3CA (phosphatidylinositol-4,5-bisphosphate 3-kinase catalytic subunit alpha; plus strand). Cytogenetic location: 3q26.32.
Variant type: single nucleotide variant.
Coding change: c.181C>T on transcript NM_006218.4 (MANE Select); coding-DNA position 181, C replaced by T.
Protein change: p.Leu61Phe; replaces leucine 61 with phenylalanine.
Molecular consequence: missense variant.
Genome position (GRCh38, 1-based): chr3:179,199,006, C>T. VCF-style: chr3-179199006-C-T. GRCh37 (hg19) VCF-style: chr3-178916794-C-T.
Other names: short protein forms L61F.
Identifiers: ClinVar variation 1780737 (VCV001780737.2), dbSNP rs2108385717, ClinGen allele CA355271685.

ClinVar aggregate classification (germline): Uncertain significance (1 of 4 stars; one submission).

Conditions:
Inborn genetic diseases. Identifiers: MedGen C0950123, MeSH D030342.

gnomAD v4.1: 1 of 1,613,318 alleles (0.000062%); no homozygotes.

Submission:

Ambry Genetics
Classification: Uncertain significance for Inborn genetic diseases. Last evaluated: 2022-03-01. Review status: criteria provided, single submitter. Criteria: Ambry Variant Classification Scheme 2023. Collection method: clinical testing. Allele origin: germline.
Comment: The p.L61F variant (also known as c.181C>T), located in coding exon 1 of the PIK3CA gene, results from a C to T substitution at nucleotide position 181. The leucine at codon 61 is replaced by phenylalanine, an amino acid with highly similar properties. This amino acid position is conserved. In addition, the in silico prediction for this alteration is inconclusive. Since supporting evidence is limited at this time, the clinical significance of this alteration remains unclear.